The following is an entry in ClinVar:

ClinVar aggregate classification (germline): Benign. Review status: criteria provided, multiple submitters, no conflicts (2 of 4 stars). 2 submissions from 2 submitters: Benign (2). Last evaluated 2024-01-24.

Allele frequency attached by ClinVar (database versions not stated): TOPMed 0.25928; ESP Exome Variant Server 0.23157; 1000 Genomes Project 0.29952; 1000 Genomes Project 30x 0.29997; gnomAD 0.24637.
gnomAD v4.1: 350,380 of 1,613,880 alleles (22%); highest among the groups gnomAD compares: Admixed American, 34%; 40,692 homozygotes.

Submissions (2):

Unidad de Genómica Garrahan, Hospital de Pediatría Garrahan
Classification: Benign. Last evaluated: 2024-01-24. Review status: criteria provided, single submitter. Criteria: ACMG Guidelines, 2015. Collection method: clinical testing. Allele origin: germline. Affected: no. Observed: 49 variant alleles.
Comment: This variant is classified as Benign based on local population frequency. This variant was detected in 52% of patients studied by a panel of primary immunodeficiencies. Number of patients: 49. Only high quality variants are reported.

Mayo Clinic Laboratories, Mayo Clinic
Classification: Benign. Last evaluated: 2022-09-06. Review status: criteria provided, single submitter. Criteria: ACMG Guidelines, 2015. Collection method: clinical testing. Allele origin: germline. Observed: 41 variant alleles.

NM_006074.5(TRIM22):c.642T>C (p.Asp214=)

Gene: TRIM22 (tripartite motif containing 22; plus strand). Cytogenetic location: 11p15.4.
Variant type: single nucleotide variant.
Coding change: c.642T>C on transcript NM_006074.5 (MANE Select); coding-DNA position 642, T replaced by C.
Protein change: p.Asp214=; no amino-acid change (aspartic acid 214 retained).
Molecular consequence: synonymous variant.
Genome position (GRCh38, 1-based): chr11:5,698,437, T>C. VCF-style: chr11-5698437-T-C. GRCh37 (hg19) VCF-style: chr11-5719667-T-C.
Other names: p.Asp214=; c.630T>C, p.Asp210= (NM_001199573.2).
Identifiers: ClinVar variation 2688112 (VCV002688112.3), dbSNP rs2291842, ClinGen allele CA5845844.